The following is an entry in ClinVar:

ClinVar aggregate classification (germline): Uncertain significance (1 of 4 stars; one submission).

Allele frequency attached by ClinVar (database versions not stated): gnomAD 0.00001; gnomAD exomes 0.00003.
gnomAD v4.1: 21 of 1,077,473 alleles (0.0019%); highest among the groups gnomAD compares: Middle Eastern, 0.029%; no homozygotes.

Submission:

Labcorp Genetics (formerly Invitae), Labcorp
Classification: Uncertain significance. Last evaluated: 2022-07-19. Review status: criteria provided, single submitter. Criteria: Invitae Variant Classification Sherloc (09022015). Collection method: clinical testing. Allele origin: germline.
Comment: In summary, the available evidence is currently insufficient to determine the role of this variant in disease. Therefore, it has been classified as a Variant of Uncertain Significance. Algorithms developed to predict the effect of missense changes on protein structure and function are either unavailable or do not agree on the potential impact of this missense change (SIFT: "Tolerated"; PolyPhen-2: "Possibly Damaging"; Align-GVGD: "Class C0"). ClinVar contains an entry for this variant (Variation ID: 1492136). This variant has not been reported in the literature in individuals affected with NYX-related conditions. The frequency data for this variant in the population databases is considered unreliable, as metrics indicate poor data quality at this position in the gnomAD database. This sequence change replaces arginine, which is basic and polar, with cysteine, which is neutral and slightly polar, at codon 206 of the NYX protein (p.Arg206Cys).

NM_001378477.3(NYX):c.601C>T (p.Arg201Cys)

Gene: NYX (nyctalopin; plus strand). Cytogenetic location: Xp11.4.
Variant type: single nucleotide variant.
Coding change: c.601C>T on transcript NM_001378477.3 (MANE Select); coding-DNA position 601, C replaced by T.
Protein change: p.Arg201Cys; replaces arginine 201 with cysteine.
Molecular consequence: missense variant.
Genome position (GRCh38, 1-based): chrX:41,474,069, C>T. VCF-style: chrX-41474069-C-T. GRCh37 (hg19) VCF-style: chrX-41333322-C-T.
Other names: c.601C>T, p.Arg201Cys (NM_022567.3); short protein forms R201C.
Identifiers: ClinVar variation 1492136 (VCV001492136.6), dbSNP rs981493309, ClinGen allele CA412990887.